The following is an entry in ClinVar:

ClinVar aggregate classification (germline): Uncertain significance (1 of 4 stars; one submission).

Submission:

GeneDx
Classification: Uncertain significance. Last evaluated: 2019-10-07. Review status: criteria provided, single submitter. Criteria: GeneDx Variant Classification Process June 2021. Collection method: clinical testing. Allele origin: germline. Affected: yes.
Comment: Has not been previously published as pathogenic or benign to our knowledge; Not observed in large population cohorts (Lek et al., 2016); In silico analysis, which includes protein predictors and evolutionary conservation, supports a deleterious effect

NM_005902.4(SMAD3):c.1033A>C (p.Asn345His)

Gene: SMAD3 (SMAD family member 3; plus strand). Cytogenetic location: 15q22.33.
Variant type: single nucleotide variant.
Coding change: c.1033A>C on transcript NM_005902.4 (MANE Select); coding-DNA position 1033, A replaced by C.
Protein change: p.Asn345His; replaces asparagine 345 with histidine.
Molecular consequence: missense variant.
Genome position (GRCh38, 1-based): chr15:67,187,388, A>C. VCF-style: chr15-67187388-A-C. GRCh37 (hg19) VCF-style: chr15-67479726-A-C.
Other names: c.718A>C, p.Asn240His (NM_001145102.2); c.901A>C, p.Asn301His (NM_001145103.2); c.448A>C, p.Asn150His (NM_001145104.2); short protein forms N150H, N240H, N301H, N345H.
Identifiers: ClinVar variation 1304311 (VCV001304311.2), dbSNP rs2140323442, ClinGen allele CA392958099.